The following is an entry in ClinVar:

NM_001458.5(FLNC):c.3507G>T (p.Lys1169Asn)

Gene: FLNC (filamin C; plus strand). Cytogenetic location: 7q32.1.
Variant type: single nucleotide variant.
Coding change: c.3507G>T on transcript NM_001458.5 (MANE Select); coding-DNA position 3507, G replaced by T.
Protein change: p.Lys1169Asn; replaces lysine 1169 with asparagine.
Molecular consequence: missense variant.
Genome position (GRCh38, 1-based): chr7:128,844,972, G>T. VCF-style: chr7-128844972-G-T. GRCh37 (hg19) VCF-style: chr7-128485026-G-T.
Other names: c.3507G>T, p.Lys1169Asn (NM_001127487.2); short protein forms K1169N.
Identifiers: ClinVar variation 5021950 (VCV005021950.1).

ClinVar aggregate classification (germline): Uncertain significance (1 of 4 stars; one submission).

Conditions:
Cardiovascular phenotype. Identifiers: MedGen CN230736.

Submission:

Ambry Genetics
Classification: Uncertain significance for Cardiovascular phenotype. Last evaluated: 2026-07-17. Review status: criteria provided, single submitter. Criteria: Ambry Variant Classification Scheme 2023. Collection method: clinical testing. Allele origin: germline.
Comment: The p.K1169N variant (also known as c.3507G>T), located in coding exon 21 of the FLNC gene, results from a G to T substitution at nucleotide position 3507. The lysine at codon 1169 is replaced by asparagine, an amino acid with similar properties. This amino acid position is conserved. In addition, the in silico prediction for this alteration is inconclusive. Based on the available evidence, the clinical significance of this variant remains unclear.